The following is an entry in ClinVar:

ClinVar aggregate classification (germline): Uncertain significance (1 of 4 stars; one submission).

Conditions:
LZTFL1-related disorder. Also called: LZTFL1-related condition.

gnomAD v4.1: 21 of 1,613,978 alleles (0.0013%); highest among the groups gnomAD compares: Non-Finnish European, 0.0018%; no homozygotes.

Submission:

PreventionGenetics, part of Exact Sciences
Classification: Uncertain significance for LZTFL1-related condition. Last evaluated: 2024-11-05. Review status: criteria provided, single submitter. Criteria: ACMG Guidelines, 2015. Collection method: clinical testing. Allele origin: germline.
Comment: The LZTFL1 c.254G>A variant is predicted to result in the amino acid substitution p.Arg85Gln. To our knowledge, this variant has not been reported in the literature. This variant is reported in 0.013% of alleles in individuals of European (Non-Finnish) descent in gnomAD. At this time, the clinical significance of this variant is uncertain due to the absence of conclusive functional and genetic evidence.

NM_020347.4(LZTFL1):c.254G>A (p.Arg85Gln)

Gene: LZTFL1 (leucine zipper transcription factor like 1; minus strand). Cytogenetic location: 3p21.31.
Variant type: single nucleotide variant.
Coding change: c.254G>A on transcript NM_020347.4 (MANE Select); coding-DNA position 254, G replaced by A.
Protein change: p.Arg85Gln; replaces arginine 85 with glutamine.
Molecular consequence: missense variant. On other transcripts: non-coding transcript variant (2).
Genome position (GRCh38, 1-based): chr3:45,835,659, C>T on the plus strand (G>A on the coding strand, the complement: LZTFL1 is on the minus strand). VCF-style: chr3-45835659-C-T. GRCh37 (hg19) VCF-style: chr3-45877151-C-T.
Other names: c.203G>A, p.Arg68Gln (NM_001276378.2, NM_001386451.1, NM_001405922.1 and 4 more transcripts); c.242G>A, p.Arg81Gln (NM_001276379.2, NM_001405921.1); c.254G>A, p.Arg85Gln (NM_001386452.1, NM_001405924.1); c.278G>A, p.Arg93Gln (NM_001405920.1, NM_001405925.1); short protein forms R85Q, R93Q, R68Q, R81Q.
Identifiers: ClinVar variation 4986567 (VCV004986567.1).